The following is an entry in ClinVar:

ClinVar aggregate classification (germline): Likely benign. Review status: criteria provided, multiple submitters, no conflicts (2 of 4 stars). 5 submissions from 5 submitters: Likely benign (5). Last evaluated 2026-01-19.

Conditions:
Cardiovascular phenotype. Identifiers: MedGen CN230736.

Allele frequency attached by ClinVar (database versions not stated): gnomAD 0.00001; gnomAD exomes 0.00002; TOPMed 0.00002.
gnomAD v4.1: 28 of 1,549,736 alleles (0.0018%); highest among the groups gnomAD compares: Middle Eastern, 0.033%; no homozygotes.

Submissions (5):

Labcorp Genetics (formerly Invitae), Labcorp
Classification: Likely benign. Last evaluated: 2026-01-19. Review status: criteria provided, single submitter. Criteria: Invitae Variant Classification Sherloc (09022015). Collection method: clinical testing. Allele origin: germline.

Women's Health and Genetics/Laboratory Corporation of America, LabCorp
Classification: Likely benign. Last evaluated: 2025-12-15. Review status: criteria provided, single submitter. Criteria: LabCorp Variant Classification Summary - May 2015. Collection method: clinical testing. Allele origin: germline.

Mayo Clinic Laboratories, Mayo Clinic
Classification: Likely benign. Last evaluated: 2024-12-03. Review status: criteria provided, single submitter. Criteria: ACMG Guidelines, 2015. Collection method: clinical testing. Allele origin: germline. Observed: 1 variant allele.
Comment: BP4, BP7

Blueprint Genetics
Classification: Likely benign. Last evaluated: 2024-09-24. Review status: criteria provided, single submitter. Criteria: ACMG Guidelines, 2015. Collection method: clinical testing. Allele origin: germline.

Ambry Genetics
Classification: Likely benign for Cardiovascular phenotype. Last evaluated: 2019-09-02. Review status: criteria provided, single submitter. Criteria: Ambry Variant Classification Scheme 2023. Collection method: clinical testing. Allele origin: germline.

NM_001367624.2(ZNF469):c.1830G>A (p.Pro610=)

Gene: ZNF469 (zinc finger protein 469; plus strand). Cytogenetic location: 16q24.2.
Variant type: single nucleotide variant.
Coding change: c.1830G>A on transcript NM_001367624.2 (MANE Select); coding-DNA position 1830, G replaced by A.
Protein change: p.Pro610=; no amino-acid change (proline 610 retained).
Molecular consequence: synonymous variant.
Genome position (GRCh38, 1-based): chr16:88,429,300, G>A. VCF-style: chr16-88429300-G-A. GRCh37 (hg19) VCF-style: chr16-88495708-G-A.
Other names: NM_001127464.1:c.1830G>A; p.Pro610=.
Identifiers: ClinVar variation 1780946 (VCV001780946.10), dbSNP rs867046582, ClinGen allele CA286373131.